The following is an entry in ClinVar:

ClinVar aggregate classification (germline): Likely benign (1 of 4 stars; one submission).

Conditions:
TULP3-related condition.

gnomAD v4.1: 246 of 1,601,884 alleles (0.015%); highest among the groups gnomAD compares: African/African-American, 0.25%; 1 homozygote.

Submission:

PreventionGenetics, part of Exact Sciences
Classification: Likely benign for TULP3-related condition. Last evaluated: 2025-12-30. Review status: criteria provided, single submitter. Criteria: ACMG Guidelines, 2015. Collection method: clinical testing. Allele origin: germline.
Comment: This variant is classified as likely benign based on ACMG/AMP sequence variant interpretation guidelines (Richards et al. 2015 PMID: 25741868, with internal and published modifications).

NM_003324.5(TULP3):c.492+4T>C

Gene: TULP3 (TUB like protein 3; plus strand). Cytogenetic location: 12p13.33.
Variant type: single nucleotide variant.
Coding change: c.492+4T>C on transcript NM_003324.5 (MANE Select); 4 bases into the intron after coding-DNA position 492, T replaced by C.
Molecular consequence: intron variant.
Genome position (GRCh38, 1-based): chr12:2,930,349, T>C. VCF-style: chr12-2930349-T-C. GRCh37 (hg19) VCF-style: chr12-3039515-T-C.
Other names: c.492+4T>C (NM_001160408.2).
Identifiers: ClinVar variation 4988023 (VCV004988023.1).